The following is an entry in ClinVar:

ClinVar aggregate classification (germline): Uncertain significance (0 of 4 stars; one submission).

Conditions:
Prostate cancer. Also called: Malignant tumor of prostate. Identifiers: Orphanet 1331, MedGen C0376358, MONDO:0008315, HP:0012125.

Submission:

Science for Life laboratory,  Karolinska Institutet
Classification: Uncertain significance for Malignant tumor of prostate. Review status: no assertion criteria provided. Collection method: not provided. Allele origin: somatic.
Comment: TumorID:SWE-6
ClinVar note: Converted during submission from Unknown to Uncertain significance.

NM_173558.4(FGD2):c.882+3A>C

Gene: FGD2 (FYVE, RhoGEF and PH domain containing 2; plus strand). Cytogenetic location: 6p21.2.
Variant type: single nucleotide variant.
Coding change: c.882+3A>C on transcript NM_173558.4 (MANE Select); 3 bases into the intron after coding-DNA position 882, A replaced by C.
Molecular consequence: intron variant.
Genome position (GRCh38, 1-based): chr6:37,014,707, A>C. VCF-style: chr6-37014707-A-C. GRCh37 (hg19) VCF-style: chr6-36982483-A-C.
Identifiers: ClinVar variation 161831 (VCV000161831.2), dbSNP rs193921018, ClinGen allele CA174869.